The following is an entry in ClinVar:

ClinVar aggregate classification (germline): Uncertain significance (1 of 4 stars; one submission).

Conditions:
Dilated cardiomyopathy 1JJ (CMD1JJ). Identifiers: Orphanet 154, MedGen C3808935, MONDO:0014095, OMIM 615235.

Submission:

Labcorp Genetics (formerly Invitae), Labcorp
Classification: Uncertain significance for Dilated cardiomyopathy 1JJ. Last evaluated: 2020-12-11. Review status: criteria provided, single submitter. Criteria: Invitae Variant Classification Sherloc (09022015). Collection method: clinical testing. Allele origin: germline.
Comment: This sequence change replaces aspartic acid with glycine at codon 345 of the LAMA4 protein (p.Asp345Gly). The aspartic acid residue is highly conserved and there is a moderate physicochemical difference between aspartic acid and glycine. This variant is not present in population databases (ExAC no frequency). This variant has not been reported in the literature in individuals with LAMA4-related conditions. Algorithms developed to predict the effect of missense changes on protein structure and function are either unavailable or do not agree on the potential impact of this missense change (SIFT: "Deleterious"; PolyPhen-2: "Possibly Damaging"; Align-GVGD: "Class C0"). In summary, the available evidence is currently insufficient to determine the role of this variant in disease. Therefore, it has been classified as a Variant of Uncertain Significance.

NM_001105206.3(LAMA4):c.1055A>G (p.Asp352Gly)

Gene: LAMA4 (laminin subunit alpha 4; minus strand). Cytogenetic location: 6q21.
Variant type: single nucleotide variant.
Coding change: c.1055A>G on transcript NM_001105206.3 (MANE Select); coding-DNA position 1055, A replaced by G.
Protein change: p.Asp352Gly; replaces aspartic acid 352 with glycine.
Molecular consequence: missense variant.
Genome position (GRCh38, 1-based): chr6:112,185,259, T>C on the plus strand (A>G on the coding strand, the complement: LAMA4 is on the minus strand). VCF-style: chr6-112185259-T-C. GRCh37 (hg19) VCF-style: chr6-112506461-T-C.
Other names: c.1034A>G, p.Asp345Gly (NM_001105207.3, NM_002290.5); short protein forms D345G, D352G.
Identifiers: ClinVar variation 1355550 (VCV001355550.8), dbSNP rs2114930613, ClinGen allele CA365374525.